The following is an entry in ClinVar:

ClinVar aggregate classification (germline): Uncertain significance. Review status: criteria provided, multiple submitters, no conflicts (2 of 4 stars). 5 submissions from 5 submitters: Uncertain significance (4). 1 of the submissions does not count toward it. Last evaluated 2025-12-09.

Conditions:
Emery-Dreifuss muscular dystrophy 1, X-linked (EDMD1). Also called: SCAPULOPERONEAL SYNDROME, X-LINKED; HUMEROPERONEAL NEUROMUSCULAR DISEASE; Muscular dystrophy, tardive, Dreifuss-Emery type, with contractures; EMD-Related Emery-Dreifuss Muscular Dystrophy, X-Linked. Identifiers: MedGen CN375556, MONDO:0100531, OMIM 310300.
Cardiovascular phenotype. Identifiers: MedGen CN230736.
Emery-Dreifuss muscular dystrophy (EDMD). Also called: Scapuloperoneal syndrome, X-linked (formerly); Humeroperoneal neuromuscular disease, (formerly). Identifiers: Orphanet 261, MedGen C0410189, MONDO:0016830.
X-linked Emery-Dreifuss muscular dystrophy. Also called: Muscular dystrophy, tardive Emery-Dreifuss type, with contractures. Identifiers: Orphanet 261, Orphanet 98863, MedGen C0751337, MONDO:0010680.

Allele frequency attached by ClinVar (database versions not stated): gnomAD exomes 0.00001 and 0.00002; gnomAD 0.00001; TOPMed 0.00001; ExAC 0.00001.
gnomAD v4.1: 10 of 1,208,250 alleles (0.00083%); highest among the groups gnomAD compares: Admixed American, 0.011%; no homozygotes.

Submissions (5):

Labcorp Genetics (formerly Invitae), Labcorp
Classification: Uncertain significance for X-linked Emery-Dreifuss muscular dystrophy. Last evaluated: 2025-12-09. Review status: criteria provided, single submitter. Criteria: Invitae Variant Classification Sherloc (09022015). Collection method: clinical testing. Allele origin: germline.
Comment: This sequence change replaces glutamic acid, which is acidic and polar, with lysine, which is basic and polar, at codon 35 of the EMD protein (p.Glu35Lys). This variant is present in population databases (rs794729018, gnomAD 0.01%), including at least one homozygous and/or hemizygous individual. This variant has not been reported in the literature in individuals affected with EMD-related conditions. ClinVar contains an entry for this variant (Variation ID: 201780). Invitae Evidence Modeling of protein sequence and biophysical properties (such as structural, functional, and spatial information, amino acid conservation, physicochemical variation, residue mobility, and thermodynamic stability) has been performed for this missense variant. However, the output from this modeling did not meet the statistical confidence thresholds required to predict the impact of this variant on EMD protein function. In summary, the available evidence is currently insufficient to determine the role of this variant in disease. Therefore, it has been classified as a Variant of Uncertain Significance.

Molecular Diagnostic Laboratory for Inherited Cardiovascular Disease, Montreal Heart Institute
Classification: Uncertain significance for Cardiovascular phenotype. Last evaluated: 2025-04-09. Review status: criteria provided, single submitter. Criteria: ACMG Guidelines, 2015. Collection method: clinical testing. Allele origin: germline. Affected: yes.

Revvity Omics, Revvity
Classification: Uncertain significance for Emery-Dreifuss muscular dystrophy 1, X-linked. Last evaluated: 2021-08-02. Review status: criteria provided, single submitter. Criteria: ACMG Guidelines, 2015. Collection method: clinical testing. Allele origin: germline.

Ambry Genetics
Classification: Uncertain significance for Cardiovascular phenotype. Last evaluated: 2021-06-26. Review status: criteria provided, single submitter. Criteria: Ambry Variant Classification Scheme 2023. Collection method: clinical testing. Allele origin: germline.
Comment: The p.E35K variant (also known as c.103G>A), located in coding exon 2 of the EMD gene, results from a G to A substitution at nucleotide position 103. The glutamic acid at codon 35 is replaced by lysine, an amino acid with similar properties. This alteration has been seen in a healthy exome cohort, but cardiovascular history was not provided (Dharmaraj T et al. Front Cell Dev Biol, 2019 Apr;7:48). Based on data from gnomAD, the A allele has an overall frequency of 0.002% (4/174087) total alleles studied, with 1 hemizygote observed. The highest observed frequency was 0.014% (4/27043) of Latino/Admixed American alleles. This amino acid position is highly conserved in available vertebrate species. In addition, the in silico prediction for this alteration is inconclusive. Since supporting evidence is limited at this time, the clinical significance of this alteration remains unclear.

Natera, Inc.
Classification: Uncertain significance for Emery-Dreifuss muscular dystrophy. Last evaluated: 2021-03-03. Review status: no assertion criteria provided. Collection method: clinical testing. Allele origin: germline. Not counted in ClinVar's aggregate classification.

Literature cited by the submitters: PubMed 31024910 (cited by Ambry Genetics).

NM_000117.3(EMD):c.103G>A (p.Glu35Lys)

Gene: EMD (emerin; plus strand). Cytogenetic location: Xq28.
Variant type: single nucleotide variant.
Coding change: c.103G>A on transcript NM_000117.3 (MANE Select); coding-DNA position 103, G replaced by A.
Protein change: p.Glu35Lys; replaces glutamic acid 35 with lysine.
Molecular consequence: missense variant.
Genome position (GRCh38, 1-based): chrX:154,379,710, G>A. VCF-style: chrX-154379710-G-A. GRCh37 (hg19) VCF-style: chrX-153608070-G-A.
Other names: short protein forms E35K.
Identifiers: ClinVar variation 201780 (VCV000201780.12), dbSNP rs782222974, ClinGen allele CA335168.